The following is an entry in ClinVar:

ClinVar aggregate classification (germline): Pathogenic/Likely pathogenic. Review status: criteria provided, multiple submitters, no conflicts (2 of 4 stars). 21 submissions from 21 submitters: Pathogenic (14); Likely pathogenic (1). 6 of the submissions do not count toward it. Last evaluated 2025-12-01.

Conditions:
TNNI3-related disorder. Also called: TNNI3-related disorders; TNNI3-related condition.
Restrictive cardiomyopathy. Identifiers: Orphanet 217632, MedGen C0007196, MeSH D002313, MONDO:0005201, HP:0001723.
Hypertrophic cardiomyopathy. Also called: HYPERTROPHIC MYOCARDIOPATHY. Identifiers: Orphanet 217569, MedGen C0007194, MeSH D002312, MONDO:0005045, HP:0001639.
Cardiomyopathy, familial restrictive, 1. Identifiers: Orphanet 75249, MedGen C1861861, MONDO:0007270, OMIM 115210.
Dilated cardiomyopathy 2A (CMD2A). Also called: CARDIOMYOPATHY, CONGESTIVE, AUTOSOMAL RECESSIVE; CARDIOMYOPATHY, DILATED, AUTOSOMAL RECESSIVE. Identifiers: Orphanet 154, MedGen C2678474, MONDO:0012746, OMIM 611880.
Hypertrophic cardiomyopathy 7. Also called: TNNI3-Related Familial Hypertrophic Cardiomyopathy; Familial hypertrophic cardiomyopathy 7; CARDIOMYOPATHY, FAMILIAL HYPERTROPHIC, 7, MODIFIER OF. Identifiers: MedGen C1860752, MONDO:0013369, OMIM 613690.
Dilated cardiomyopathy 1FF (CMD1FF). Identifiers: Orphanet 154, MedGen C2750091, MONDO:0013211, OMIM 613286.
Cardiomyopathy (CMYO). Also called: Cardiomyopathies. Identifiers: Orphanet 167848, MedGen C0878544, MONDO:0004994, HP:0001638. Inheritance: Various modes of inheritance.
SUDDEN INFANT DEATH SYNDROME (SIDS). Also called: Sudden Infant Death. Identifiers: MedGen C0038644, MeSH D013398, OMIM 272120.

Allele frequency attached by ClinVar (database versions not stated): gnomAD 0.00002 and 0.00001; gnomAD exomes below 0.00001; TOPMed below 0.00001; ExAC 0.00001.

Submissions 1 to 8 of 21:

Labcorp Genetics (formerly Invitae), Labcorp
Classification: Pathogenic for Hypertrophic cardiomyopathy. Last evaluated: 2025-12-01. Review status: criteria provided, single submitter. Criteria: Invitae Variant Classification Sherloc (09022015). Collection method: clinical testing. Allele origin: germline.
Comment: This sequence change replaces arginine, which is basic and polar, with tryptophan, which is neutral and slightly polar, at codon 145 of the TNNI3 protein (p.Arg145Trp). This variant is present in population databases (rs104894724, gnomAD 0.003%). This missense change has been observed in individuals with autosomal dominant hypertrophic cardiomyopathy and restrictive cardiomyopathy (PMID: 12531876, 21533915, 23283745, 27532257). ClinVar contains an entry for this variant (Variation ID: 12426). An algorithm developed to predict the effect of missense changes on protein structure and function (PolyPhen-2) suggests that this variant is likely to be disruptive. Experimental studies have shown that this missense change affects TNNI3 function (PMID: 16531415, 18423659, 19289050, 19651143, 27557662). This variant disrupts the p.Arg145 amino acid residue in TNNI3. Other variant(s) that disrupt this residue have been determined to be pathogenic (PMID: 9241277, 11735257, 15607392, 23283745, 24111713, 25132132). This suggests that this residue is clinically significant, and that variants that disrupt this residue are likely to be disease-causing. For these reasons, this variant has been classified as Pathogenic.

Variantyx, Inc.
Classification: Pathogenic for Hypertrophic cardiomyopathy 7. Last evaluated: 2025-08-01. Review status: criteria provided, single submitter. Criteria: Variantyx Assertion Criteria 2022. Collection method: clinical testing. Allele origin: germline. Inheritance: Autosomal dominant inheritance. Affected: yes.
Comment: This is a nonsynonymous variant in the TNNI3 gene (OMIM: 191044). Pathogenic variants in this gene have been associated with autosomal dominant hypertrophic cardiomyopathy 7. This variant has been reported in at least ten unrelated affected individuals (PMID: 12531876 , 21533915) (PS4_Moderate). Functional studies have shown that this variant alters TNNI3 protein function (PMID: 16531415, 19651143) (PS3), and multiple computational algorithms predict a deleterious effect for this variant (REVEL score: 0.823) (PP3). AMoreover, alternate amino acid changes at this position (p.Arg145Gln; p.Arg145Gly) have been previously reported in similarly affected individuals in the ClinVar database, which suggests that this residue is biologically important (PM5). This variant has a 0.0022% maximum allele frequency in non-founder control populations (PM2). Based on the current evidence, this variant is classified as pathogenic for autosomal dominant hypertrophic cardiomyopathy 7.

PreventionGenetics, part of Exact Sciences
Classification: Pathogenic for TNNI3-related condition. Last evaluated: 2025-07-07. Review status: criteria provided, single submitter. Criteria: ACMG Guidelines, 2015. Collection method: clinical testing. Allele origin: germline.
Comment: The TNNI3 c.433C>T variant is predicted to result in the amino acid substitution p.Arg145Trp. This variant has been reported in numerous individuals with restrictive cardiomyopathy or hypertrophic cardiomyopathy (Mogensen et al. 2003. PubMed ID: 12531876; van den Wijngaard et al. 2011. PubMed ID: 21533915; Table S1A, Walsh et al. 2017. PubMed ID: 27532257; Table S2, Bagnall et al. 2022. PubMed ID: 36252119). Functional studies supported that this variant impacts normal protein function (described as p.Arg146Trp, Mathur et al. 2009. PubMed ID: 19289050; Wen et al. 2009. PubMed ID: 19651143; Dvornikov et al. 2016. PubMed ID: 27557662). This variant is reported in 0.0033% of alleles in individuals of South Asian descent in gnomAD. Different nucleotide substitutions affecting the same amino acid (p.Arg145Gly and p.Arg145Gln) have been reported in individuals with hypertrophic cardiomyopathy (Human Gene Mutation Database). Taken together, the c.433C>T (p.Arg145Trp) variant is interpreted as pathogenic.

3billion
Classification: Pathogenic for Hypertrophic cardiomyopathy 7. Last evaluated: 2025-02-26. Review status: criteria provided, single submitter. Criteria: ACMG Guidelines, 2015. Collection method: clinical testing. Allele origin: germline. Affected: yes.
Comment: The variant is observed at an extremely low frequency in the gnomAD v4.1.0 dataset (total allele frequency: <0.001%). Predicted Consequence/Location: Missense variant Functional studies provide strong evidence of the variant having a damaging effect on the gene or gene product (PMID: 18423659, 19289050, 19651143, 27557662). In silico tool predictions suggest damaging effect of the variant on gene or gene product [REVEL: 0.82 (>=0.6, sensitivity 0.68 and specificity 0.92); 3Cnet: 0.99 (>=0.6, sensitivity 0.72 and precision 0.9)]. The same nucleotide change resulting in the same amino acid change has been previously reported as pathogenic/likely pathogenic with strong evidence (ClinVar ID: VCV000012426 /PMID: 12531876 /3billion dataset). Different missense changes at the same codon (p.Arg145Gln, p.Arg145Gly) have been reported as pathogenic/likely pathogenic with strong evidence (ClinVar ID: VCV000012419, VCV000043384 /PMID: 9241277 /3billion dataset). Therefore, this variant is classified as Pathogenic according to the recommendation of ACMG/AMP guideline.

Blueprint Genetics
Classification: Pathogenic for TNNI3-related disorders. Last evaluated: 2024-09-05. Review status: criteria provided, single submitter. Criteria: ACMG Guidelines, 2015. Collection method: clinical testing. Allele origin: germline. Affected: yes. Observed: 5 variant alleles.

All of Us Research Program, National Institutes of Health
Classification: Pathogenic for Hypertrophic cardiomyopathy. Last evaluated: 2024-04-02. Review status: criteria provided, single submitter. Criteria: ACMG Guidelines, 2015. Collection method: clinical testing. Allele origin: germline. Inheritance: Autosomal dominant inheritance. Observed: 2 variant alleles, 2 heterozygotes.
Comment: The c.433C>T (p.Arg145Trp) variant in the TNNI3 gene is located on the exon 7 of the TNNI3 gene and is predicted to replace arginine with tryptophan at codon 145 of the TNNI3 protein (p.Arg145Trp). This variant has been reported in multiple individuals with hypertrophic cardiomyopathy (HCM) and restrictive cardiomyopathy (RCM) (PMID: 12531876, 15607392, 15992656, 16288990, 18409188, 19035361, 21533915, 23283745, 27532257, 28382084, 29661763), and it segregates with diseases (PMID: 15607392, 19035361, 21533915, 21839045). This variant is a founder variant in the Dutch population (PMID: 21533915). Functional studies showed that this variant led to increased calcium sensitivity of both force development and ATPase activity (PMID: 15961398, 16288990, 16531415, 18269819, 18423659, 19289050, 19651143, 27557662). Other missense variants affecting the same amino acid residue (Arg145Gly and Arg145Gln) have been reported to be pathogenic. Computational evidence supports a deleterious effect on the protein structure and function. This variant has been observed at a low frequency (3/280226) in the general population according to gnomAD. Therefore, the c.433C>T (p.Arg145Trp) variant in the TNNI3 gene is classified as pathogenic.

This study involves interpretation of variants in research participants for the purpose of population health screening. Participant phenotype was not available at the time of variant classification. Additional details can be found in publication PMID: 35346344, PMCID: PMC8962531

CHEO Genetics Diagnostic Laboratory, Children's Hospital of Eastern Ontario
Classification: Pathogenic for Cardiomyopathy. Last evaluated: 2023-03-07. Review status: criteria provided, single submitter. Criteria: ACMG Guidelines, 2015. Collection method: clinical testing. Allele origin: germline.

GeneDx
Classification: Pathogenic. Last evaluated: 2022-12-15. Review status: criteria provided, single submitter. Criteria: GeneDx Variant Classification Process June 2021. Collection method: clinical testing. Allele origin: germline. Affected: yes.
Comment: Not observed at significant frequency in large population cohorts (gnomAD); Published functional studies demonstrate a damaging effect including increased Ca2+ sensitivity of both force development and ATPase activity (Gomes et al. 2005; Yumoto et al., 2005; Kobayashi et al., 2006; Wen et al. 2009; Parvatiyar et al., 2010); In silico analysis supports that this missense variant has a deleterious effect on protein structure/function; This variant is associated with the following publications: (PMID: 16020591, 18423659, 19651143, 27557662, 31513939, 23508784, 32492895, 15961398, 15992656, 16288990, 17599605, 18409188, 19035361, 19914256, 20617149, 23283745, 19289050, 28166811, 28382084, 28650931, 27766529, 28181243, 21310275, 25351510, 27532257, 12531876, 28790153, 29661763, 31308319, 33087929, 30847666, 31447099, 32480058, 33673806, 32686758, 24704860, 35027292, 16531415, 15607392, 21533915)

NM_000363.5(TNNI3):c.433C>T (p.Arg145Trp)

Gene: TNNI3 (troponin I3, cardiac type; minus strand). Cytogenetic location: 19q13.42.
Variant type: single nucleotide variant.
Coding change: c.433C>T on transcript NM_000363.5 (MANE Select); coding-DNA position 433, C replaced by T.
Protein change: p.Arg145Trp; replaces arginine 145 with tryptophan.
Molecular consequence: missense variant.
Genome position (GRCh38, 1-based): chr19:55,154,146, G>A on the plus strand (C>T on the coding strand, the complement: TNNI3 is on the minus strand). VCF-style: chr19-55154146-G-A. GRCh37 (hg19) VCF-style: chr19-55665514-G-A.
Other names: p.R145W:CGG>TGG; short protein forms R145W.
Identifiers: ClinVar variation 12426 (VCV000012426.46), dbSNP rs104894724, ClinGen allele CA021667.